The following is an entry in ClinVar:

NM_201599.3(ZMYM3):c.3669G>C (p.Gln1223His)

Gene: ZMYM3 (zinc finger MYM-type containing 3; minus strand). Cytogenetic location: Xq13.1.
Variant type: single nucleotide variant.
Coding change: c.3669G>C on transcript NM_201599.3 (MANE Select); coding-DNA position 3669, G replaced by C.
Protein change: p.Gln1223His; replaces glutamine 1223 with histidine.
Molecular consequence: missense variant.
Genome position (GRCh38, 1-based): chrX:71,242,303, C>G on the plus strand (G>C on the coding strand, the complement: ZMYM3 is on the minus strand). VCF-style: chrX-71242303-C-G. GRCh37 (hg19) VCF-style: chrX-70462153-C-G.
Other names: c.3633G>C, p.Gln1211His (NM_001171162.1); c.3669G>C, p.Gln1223His (NM_005096.3); short protein forms Q1211H, Q1223H.
Identifiers: ClinVar variation 3361323 (VCV003361323.1).

ClinVar aggregate classification (germline): Uncertain significance (1 of 4 stars; one submission).

Submission:

GeneDx
Classification: Uncertain significance. Last evaluated: 2023-08-07. Review status: criteria provided, single submitter. Criteria: GeneDx Variant Classification Process June 2021. Collection method: clinical testing. Allele origin: germline. Affected: yes.
Comment: Not observed at significant frequency in large population cohorts (gnomAD); In silico analysis supports that this missense variant does not alter protein structure/function; Has not been previously published as pathogenic or benign to our knowledge